The following is an entry in ClinVar:

ClinVar aggregate classification (germline): Pathogenic/Likely pathogenic. Review status: criteria provided, multiple submitters, no conflicts (2 of 4 stars). 4 submissions from 4 submitters: Pathogenic (1); Likely pathogenic (3). Last evaluated 2023-10-29.

Conditions:
Osteogenesis imperfecta (OI). Identifiers: Orphanet 666, MedGen C0029434, MeSH D010013, MONDO:0019019.
Osteogenesis imperfecta type 8 (OI8). Identifiers: MedGen C1970458, MONDO:0012581, OMIM 610915.
P3H1-related disorders.

Allele frequency attached by ClinVar (database versions not stated): TOPMed below 0.00001; gnomAD 0.00001; gnomAD exomes 0.00001; ExAC 0.00002.
gnomAD v4.1: 15 of 1,613,592 alleles (0.00093%); highest among the groups gnomAD compares: East Asian, 0.0022%; no homozygotes.

Submissions (4):

Labcorp Genetics (formerly Invitae), Labcorp
Classification: Pathogenic for Osteogenesis imperfecta type 8. Last evaluated: 2023-10-29. Review status: criteria provided, single submitter. Criteria: Invitae Variant Classification Sherloc (09022015). Collection method: clinical testing. Allele origin: germline.
Comment: This sequence change creates a premature translational stop signal (p.Arg366*) in the P3H1 gene. It is expected to result in an absent or disrupted protein product. Loss-of-function variants in P3H1 are known to be pathogenic (PMID: 17277775, 18566967, 19088120, 22281939). This variant is present in population databases (rs752575140, gnomAD 0.003%). This variant has not been reported in the literature in individuals affected with P3H1-related conditions. ClinVar contains an entry for this variant (Variation ID: 1702031). For these reasons, this variant has been classified as Pathogenic.

Genome-Nilou Lab
Classification: Likely pathogenic for Osteogenesis imperfecta type 8. Last evaluated: 2023-04-11. Review status: criteria provided, single submitter. Criteria: ACMG Guidelines, 2015. Collection method: clinical testing. Allele origin: germline. Affected: no.

Blueprint Genetics
Classification: Likely pathogenic for P3H1-related disorders. Last evaluated: 2021-06-03. Review status: criteria provided, single submitter. Criteria: ACMG Guidelines, 2015. Collection method: clinical testing. Allele origin: germline. Affected: yes. Observed: 1 variant allele.

Genome Diagnostics Laboratory, The Hospital for Sick Children
Classification: Likely pathogenic for Osteogenesis imperfecta. Last evaluated: 2019-01-01. Review status: criteria provided, single submitter. Criteria: ACMG Guidelines, 2015. Collection method: clinical testing. Allele origin: germline.

Literature cited by the submitters: PubMed 17277775 (cited by Labcorp Genetics (formerly Invitae), Labcorp); PubMed 18566967 (cited by Labcorp Genetics (formerly Invitae), Labcorp); PubMed 19088120 (cited by Labcorp Genetics (formerly Invitae), Labcorp); PubMed 22281939 (cited by Labcorp Genetics (formerly Invitae), Labcorp).

NM_022356.4(P3H1):c.1096C>T (p.Arg366Ter)

Gene: P3H1 (prolyl 3-hydroxylase 1; minus strand). Cytogenetic location: 1p34.2.
Variant type: single nucleotide variant.
Coding change: c.1096C>T on transcript NM_022356.4 (MANE Select); coding-DNA position 1096, C replaced by T.
Protein change: p.Arg366Ter; replaces arginine 366 with a stop codon.
Molecular consequence: nonsense.
Genome position (GRCh38, 1-based): chr1:42,755,622, G>A on the plus strand (C>T on the coding strand, the complement: P3H1 is on the minus strand). VCF-style: chr1-42755622-G-A. GRCh37 (hg19) VCF-style: chr1-43221293-G-A.
Other names: c.1096C>T, p.Arg366Ter (NM_001146289.2, NM_001243246.2); short protein forms R366*.
Identifiers: ClinVar variation 1702031 (VCV001702031.11), dbSNP rs752575140, ClinGen allele CA801967.